The following is an entry in ClinVar:

NM_004369.4(COL6A3):c.3311C>T (p.Pro1104Leu)

Gene: COL6A3 (collagen type VI alpha 3 chain; minus strand). Cytogenetic location: 2q37.3.
Variant type: single nucleotide variant.
Coding change: c.3311C>T on transcript NM_004369.4 (MANE Select); coding-DNA position 3311, C replaced by T.
Protein change: p.Pro1104Leu; replaces proline 1104 with leucine.
Molecular consequence: missense variant.
Genome position (GRCh38, 1-based): chr2:237,374,780, G>A on the plus strand (C>T on the coding strand, the complement: COL6A3 is on the minus strand). VCF-style: chr2-237374780-G-A. GRCh37 (hg19) VCF-style: chr2-238283423-G-A.
Other names: c.2090C>T, p.Pro697Leu (NM_057164.5); c.2693C>T, p.Pro898Leu (NM_057165.5, NM_057167.4); c.1490C>T, p.Pro497Leu (NM_057166.5); short protein forms P497L, P697L, P898L, P1104L.
Identifiers: ClinVar variation 643585 (VCV000643585.15), dbSNP rs371991808, ClinGen allele CA2189193.

ClinVar aggregate classification (germline): Uncertain significance. Review status: criteria provided, multiple submitters, no conflicts (2 of 4 stars). 3 submissions from 3 submitters: Uncertain significance (3). Last evaluated 2026-03-01.

Conditions:
Bethlem myopathy 1A. Also called: MYOPATHY, BENIGN CONGENITAL, WITH CONTRACTURES; Bethlem myopathy 1; Bethlem Muscular Dystrophy. Identifiers: Orphanet 610, MedGen CN029274, MONDO:0024530, OMIM 158810.

Allele frequency attached by ClinVar (database versions not stated): gnomAD exomes 0.00002; ExAC 0.00003; gnomAD 0.00003; TOPMed 0.00004; ESP Exome Variant Server 0.00008.
gnomAD v4.1: 30 of 1,613,842 alleles (0.0019%); highest among the groups gnomAD compares: African/African-American, 0.0067%; no homozygotes.

Submissions (3):

CeGaT Center for Human Genetics Tuebingen
Classification: Uncertain significance. Last evaluated: 2026-03-01. Review status: criteria provided, single submitter. Criteria: CeGaT Center For Human Genetics Tuebingen Variant Classification Criteria Version 2. Collection method: clinical testing. Allele origin: germline. Affected: yes. Observed: 1 variant allele.
Comment: COL6A3: PM2, BP4

Labcorp Genetics (formerly Invitae), Labcorp
Classification: Uncertain significance for Bethlem myopathy 1A. Last evaluated: 2025-08-28. Review status: criteria provided, single submitter. Criteria: Invitae Variant Classification Sherloc (09022015). Collection method: clinical testing. Allele origin: germline.
Comment: This sequence change replaces proline, which is neutral and non-polar, with leucine, which is neutral and non-polar, at codon 1104 of the COL6A3 protein (p.Pro1104Leu). This variant is present in population databases (rs371991808, gnomAD 0.008%). This variant has not been reported in the literature in individuals affected with COL6A3-related conditions. ClinVar contains an entry for this variant (Variation ID: 643585). Invitae Evidence Modeling of protein sequence and biophysical properties (such as structural, functional, and spatial information, amino acid conservation, physicochemical variation, residue mobility, and thermodynamic stability) indicates that this missense variant is not expected to disrupt COL6A3 protein function with a negative predictive value of 80%. In summary, the available evidence is currently insufficient to determine the role of this variant in disease. Therefore, it has been classified as a Variant of Uncertain Significance.

Revvity Omics, Revvity
Classification: Uncertain significance. Last evaluated: 2019-08-20. Review status: criteria provided, single submitter. Criteria: ACMG Guidelines, 2015. Collection method: clinical testing. Allele origin: germline.